The following is an entry in ClinVar:

NM_004380.3(CREBBP):c.4942C>T (p.Pro1648Ser)

Gene: CREBBP (CREB binding lysine acetyltransferase; minus strand). Cytogenetic location: 16p13.3.
Variant type: single nucleotide variant.
Coding change: c.4942C>T on transcript NM_004380.3 (MANE Select); coding-DNA position 4942, C replaced by T.
Protein change: p.Pro1648Ser; replaces proline 1648 with serine.
Molecular consequence: missense variant.
Genome position (GRCh38, 1-based): chr16:3,731,422, G>A on the plus strand (C>T on the coding strand, the complement: CREBBP is on the minus strand). VCF-style: chr16-3731422-G-A. GRCh37 (hg19) VCF-style: chr16-3781423-G-A.
Other names: c.4828C>T, p.Pro1610Ser (NM_001079846.1); short protein forms P1648S, P1610S.
Identifiers: ClinVar variation 1997369 (VCV001997369.4), dbSNP rs2051912670, ClinGen allele CA394558962.

ClinVar aggregate classification (germline): Uncertain significance (1 of 4 stars; one submission).

Conditions:
Rubinstein-Taybi syndrome (RSTS). Identifiers: Orphanet 783, MedGen C0035934, MONDO:0019188.

Submission:

Labcorp Genetics (formerly Invitae), Labcorp
Classification: Uncertain significance for Rubinstein-Taybi syndrome. Last evaluated: 2022-05-21. Review status: criteria provided, single submitter. Criteria: Invitae Variant Classification Sherloc (09022015). Collection method: clinical testing. Allele origin: germline.
Comment: Advanced modeling of protein sequence and biophysical properties (such as structural, functional, and spatial information, amino acid conservation, physicochemical variation, residue mobility, and thermodynamic stability) performed at Invitae indicates that this missense variant is not expected to disrupt CREBBP protein function. In summary, the available evidence is currently insufficient to determine the role of this variant in disease. Therefore, it has been classified as a Variant of Uncertain Significance. This variant has not been reported in the literature in individuals affected with CREBBP-related conditions. This variant is not present in population databases (gnomAD no frequency). This sequence change replaces proline, which is neutral and non-polar, with serine, which is neutral and polar, at codon 1648 of the CREBBP protein (p.Pro1648Ser).